The following is an entry in ClinVar:

ClinVar aggregate classification (germline): Conflicting classifications of pathogenicity. Review status: criteria provided, conflicting classifications (1 of 4 stars). 2 submissions from 2 submitters: Uncertain significance (1); Likely benign (1). Last evaluated 2023-11-28.

Conditions:
Fibrous dysplasia of jaw (CRBM). Also called: Cherubism. Identifiers: Orphanet 184, MedGen C0008029, MONDO:0007315, OMIM 118400.
Inborn genetic diseases. Identifiers: MedGen C0950123, MeSH D030342.

Allele frequency attached by ClinVar (database versions not stated): TOPMed 0.00001.
gnomAD v4.1: 26 of 1,613,956 alleles (0.0016%); highest among the groups gnomAD compares: Middle Eastern, 0.016%; no homozygotes.

Submissions (2):

Labcorp Genetics (formerly Invitae), Labcorp
Classification: Uncertain significance for Fibrous dysplasia of jaw. Last evaluated: 2023-11-28. Review status: criteria provided, single submitter. Criteria: Invitae Variant Classification Sherloc (09022015). Collection method: clinical testing. Allele origin: germline.
Comment: This sequence change replaces valine, which is neutral and non-polar, with isoleucine, which is neutral and non-polar, at codon 58 of the SH3BP2 protein (p.Val58Ile). This variant is present in population databases (rs754590367, gnomAD 0.01%). This variant has not been reported in the literature in individuals affected with SH3BP2-related conditions. ClinVar contains an entry for this variant (Variation ID: 2164742). Advanced modeling of protein sequence and biophysical properties (such as structural, functional, and spatial information, amino acid conservation, physicochemical variation, residue mobility, and thermodynamic stability) performed at Invitae indicates that this missense variant is not expected to disrupt SH3BP2 protein function with a negative predictive value of 95%. In summary, the available evidence is currently insufficient to determine the role of this variant in disease. Therefore, it has been classified as a Variant of Uncertain Significance.

Ambry Genetics
Classification: Likely benign for Inborn genetic diseases. Last evaluated: 2023-06-30. Review status: criteria provided, single submitter. Criteria: Ambry Variant Classification Scheme 2023. Collection method: clinical testing. Allele origin: germline.

NM_001122681.2(SH3BP2):c.172G>A (p.Val58Ile)

Gene: SH3BP2 (SH3 domain binding protein 2; plus strand). Cytogenetic location: 4p16.3.
Variant type: single nucleotide variant.
Coding change: c.172G>A on transcript NM_001122681.2 (MANE Select); coding-DNA position 172, G replaced by A.
Protein change: p.Val58Ile; replaces valine 58 with isoleucine.
Molecular consequence: missense variant.
Genome position (GRCh38, 1-based): chr4:2,822,970, G>A. VCF-style: chr4-2822970-G-A. GRCh37 (hg19) VCF-style: chr4-2824697-G-A.
Other names: c.256G>A, p.Val86Ile (NM_001145855.2); c.343G>A, p.Val115Ile (NM_001145856.2); c.172G>A, p.Val58Ile (NM_003023.4); short protein forms V58I, V86I, V115I.
Identifiers: ClinVar variation 2164742 (VCV002164742.6), dbSNP rs754590367, ClinGen allele CA2818931.